The following is an entry in ClinVar:

NM_001849.4(COL6A2):c.370G>A (p.Gly124Ser)

Gene: COL6A2 (collagen type VI alpha 2 chain; plus strand). Cytogenetic location: 21q22.3.
Variant type: single nucleotide variant.
Coding change: c.370G>A on transcript NM_001849.4 (MANE Select); coding-DNA position 370, G replaced by A.
Protein change: p.Gly124Ser; replaces glycine 124 with serine.
Molecular consequence: missense variant.
Genome position (GRCh38, 1-based): chr21:46,112,233, G>A. VCF-style: chr21-46112233-G-A. GRCh37 (hg19) VCF-style: chr21-47532147-G-A.
Other names: c.370G>A, p.Gly124Ser (NM_058174.3, NM_058175.3); short protein forms G124S.
Identifiers: ClinVar variation 3905312 (VCV003905312.10).

ClinVar aggregate classification (germline): Uncertain significance (1 of 4 stars; one submission).

gnomAD v4.1: 3 of 1,612,862 alleles (0.00019%); highest among the groups gnomAD compares: Non-Finnish European, 0.00025%; no homozygotes.

Submission:

CeGaT Center for Human Genetics Tuebingen
Classification: Uncertain significance. Last evaluated: 2025-05-01. Review status: criteria provided, single submitter. Criteria: CeGaT Center For Human Genetics Tuebingen Variant Classification Criteria Version 2. Collection method: clinical testing. Allele origin: germline. Affected: yes. Observed: 1 variant allele.
Comment: COL6A2: PM2:Supporting, BP4